The following is an entry in ClinVar:

NM_198576.4(AGRN):c.5387G>A (p.Arg1796His)

Gene: AGRN (agrin; plus strand). Cytogenetic location: 1p36.33.
Variant type: single nucleotide variant.
Coding change: c.5387G>A on transcript NM_198576.4 (MANE Select); coding-DNA position 5387, G replaced by A.
Protein change: p.Arg1796His; replaces arginine 1796 with histidine.
Molecular consequence: missense variant.
Genome position (GRCh38, 1-based): chr1:1,051,469, G>A. VCF-style: chr1-1051469-G-A. GRCh37 (hg19) VCF-style: chr1-986849-G-A.
Other names: c.5399G>A, p.Arg1800His (NM_001305275.2); c.5084G>A, p.Arg1695His (NM_001364727.2); short protein forms R1796H, R1800H, R1695H.
Identifiers: ClinVar variation 424015 (VCV000424015.12), dbSNP rs774881136, ClinGen allele CA510015.

ClinVar aggregate classification (germline): Conflicting classifications of pathogenicity. Review status: criteria provided, conflicting classifications (1 of 4 stars). 3 submissions from 3 submitters: Uncertain significance (2); Likely benign (1). Last evaluated 2025-11-03.

Conditions:
Inborn genetic diseases. Identifiers: MedGen C0950123, MeSH D030342.
Congenital myasthenic syndrome 8. Also called: Myasthenic syndrome, congenital, 8, with pre- and postsynaptic defects; MYASTHENIC SYNDROME, CONGENITAL, DUE TO AGRIN DEFICIENCY. Identifiers: Orphanet 590, MedGen C3808739, MONDO:0014052, OMIM 615120.

Allele frequency attached by ClinVar (database versions not stated): ExAC 0.00013; gnomAD 0.00002; TOPMed 0.00002.
gnomAD v4.1: 39 of 1,562,812 alleles (0.0025%); highest among the groups gnomAD compares: Middle Eastern, 0.019%; no homozygotes.

Submissions (3):

Labcorp Genetics (formerly Invitae), Labcorp
Classification: Uncertain significance for Congenital myasthenic syndrome 8. Last evaluated: 2025-11-03. Review status: criteria provided, single submitter. Criteria: Invitae Variant Classification Sherloc (09022015). Collection method: clinical testing. Allele origin: germline.
Comment: This sequence change replaces arginine, which is basic and polar, with histidine, which is basic and polar, at codon 1796 of the AGRN protein (p.Arg1796His). The frequency data for this variant in the population databases is considered unreliable, as metrics indicate poor data quality at this position in the gnomAD database. This variant has not been reported in the literature in individuals affected with AGRN-related conditions. ClinVar contains an entry for this variant (Variation ID: 424015). An algorithm developed to predict the effect of missense changes on protein structure and function outputs the following: PolyPhen-2: "Benign". The histidine amino acid residue is found in multiple mammalian species, which suggests that this missense change does not adversely affect protein function. In summary, the available evidence is currently insufficient to determine the role of this variant in disease. Therefore, it has been classified as a Variant of Uncertain Significance.

Ambry Genetics
Classification: Likely benign for Inborn genetic diseases. Last evaluated: 2023-09-19. Review status: criteria provided, single submitter. Criteria: Ambry Variant Classification Scheme 2023. Collection method: clinical testing. Allele origin: germline.

GeneDx
Classification: Uncertain significance. Last evaluated: 2017-03-07. Review status: criteria provided, single submitter. Criteria: GeneDx Variant Classification (06012015). Collection method: clinical testing. Allele origin: germline. Affected: yes.
Comment: The R1796H variant in the AGRN gene has not been reported previously as a pathogenic variant, nor as a benign variant, to our knowledge. The R1796H variant is not observed at a significant frequency in large population cohorts (Lek et al., 2016; 1000 Genomes Consortium et al., 2015; Exome Variant Server). The R1796H variant is a conservative amino acid substitution, which is not likely to impact secondary protein structure as these residues share similar properties. In addition, this substitution occurs at a position that is not conserved across species, and in silico analysis predicts this variant likely does not alter the protein structure/function. We interpret R1796H as a variant of uncertain significance.